The following is an entry in ClinVar:

ClinVar aggregate classification (germline): Pathogenic/Likely pathogenic. Review status: criteria provided, multiple submitters, no conflicts (2 of 4 stars). 2 submissions from 2 submitters: Pathogenic (1); Likely pathogenic (1). Last evaluated 2024-03-28.

Conditions:
Autosomal recessive limb-girdle muscular dystrophy type 2A (LGMDR1). Also called: Limb-girdle muscular dystrophy, type 2A; Muscular dystrophy, limb-girdle, type 2A, Amish; LEYDEN-MOEBIUS MUSCULAR DYSTROPHY; MUSCULAR DYSTROPHY, PELVOFEMORAL; Calpainopathy. Identifiers: Orphanet 267, MedGen C1869123, MONDO:0009675, OMIM 253600. Disease mechanism: loss of function.

Submissions (2):

Revvity Omics, Revvity
Classification: Likely pathogenic. Last evaluated: 2024-03-28. Review status: criteria provided, single submitter. Criteria: ACMG Guidelines, 2015. Collection method: clinical testing. Allele origin: germline.

Labcorp Genetics (formerly Invitae), Labcorp
Classification: Pathogenic for Autosomal recessive limb-girdle muscular dystrophy type 2A. Last evaluated: 2022-08-15. Review status: criteria provided, single submitter. Criteria: Invitae Variant Classification Sherloc (09022015). Collection method: clinical testing. Allele origin: germline.
Comment: For these reasons, this variant has been classified as Pathogenic. Algorithms developed to predict the effect of sequence changes on RNA splicing suggest that this variant may disrupt the consensus splice site. ClinVar contains an entry for this variant (Variation ID: 1452077). This variant has not been reported in the literature in individuals affected with CAPN3-related conditions. This variant is not present in population databases (gnomAD no frequency). This sequence change creates a premature translational stop signal (p.Asp128Thrfs*11) in the CAPN3 gene. It is expected to result in an absent or disrupted protein product. Loss-of-function variants in CAPN3 are known to be pathogenic (PMID: 10330340, 15689361).

Literature cited by the submitters: PubMed 10330340 (cited by Labcorp Genetics (formerly Invitae), Labcorp); PubMed 15689361 (cited by Labcorp Genetics (formerly Invitae), Labcorp).

NM_000070.3(CAPN3):c.382del

Genes: CAPN3 (calpain 3; plus strand), LOC126862115 (BRD4-independent group 4 enhancer GRCh37_chr15:42677734-42678933; plus strand). Cytogenetic location: 15q15.1.
Variant type: Deletion.
Coding change: c.382del on transcript NM_000070.3 (MANE Select); coding-DNA position 382, one base deleted (G; older notation c.382delG).
Genome position (GRCh38, 1-based): chr15:42,386,169, G deleted; the last of 4 consecutive G bases (chr15:42,386,166-42,386,169); deleting any one gives the same sequence. VCF-style (leftmost placement, unchanged base first): chr15-42386165-AG-A. GRCh37 (hg19) VCF-style: chr15-42678363-AG-A.
Identifiers: ClinVar variation 1452077 (VCV001452077.8), dbSNP rs2141160425, ClinGen allele CA2573150701.